The following is an entry in ClinVar:

NM_000383.4(AIRE):c.1271G>T (p.Gly424Val)

Gene: AIRE (autoimmune regulator; plus strand). Cytogenetic location: 21q22.3.
Variant type: single nucleotide variant.
Coding change: c.1271G>T on transcript NM_000383.4 (MANE Select); coding-DNA position 1271, G replaced by T.
Protein change: p.Gly424Val; replaces glycine 424 with valine.
Molecular consequence: missense variant.
Genome position (GRCh38, 1-based): chr21:44,293,168, G>T. VCF-style: chr21-44293168-G-T. GRCh37 (hg19) VCF-style: chr21-45713051-G-T.
Other names: c.1271G>T (NM_000383.3); short protein forms G424V.
Identifiers: ClinVar variation 2785463 (VCV002785463.4), dbSNP rs1208287091, ClinGen allele CA410425578.

ClinVar aggregate classification (germline): Uncertain significance. Review status: criteria provided, single submitter (1 of 4 stars). 2 submissions from 2 submitters: Uncertain significance (1). 1 of the submissions does not count toward it. Last evaluated 2023-06-20.

Conditions:
Polyglandular autoimmune syndrome, type 1 (APS1). Also called: Autoimmune polyendocrine syndrome type 1; PGA I; Autoimmune polyendocrinopathy syndrome, type I; AUTOIMMUNE POLYENDOCRINE SYNDROME, TYPE I, WITH OR WITHOUT REVERSIBLE METAPHYSEAL DYSPLASIA; APS I; Whitaker syndrome. Identifiers: Orphanet 3453, MedGen C0085859, MONDO:0009411, OMIM 240300.

Submissions (2):

Labcorp Genetics (formerly Invitae), Labcorp
Classification: Uncertain significance for Polyglandular autoimmune syndrome, type 1. Last evaluated: 2023-06-20. Review status: criteria provided, single submitter. Criteria: Invitae Variant Classification Sherloc (09022015). Collection method: clinical testing. Allele origin: germline.
Comment: This variant is not present in population databases (gnomAD no frequency). This sequence change replaces glycine, which is neutral and non-polar, with valine, which is neutral and non-polar, at codon 424 of the AIRE protein (p.Gly424Val). This variant has not been reported in the literature in individuals affected with AIRE-related conditions. Advanced modeling of protein sequence and biophysical properties (such as structural, functional, and spatial information, amino acid conservation, physicochemical variation, residue mobility, and thermodynamic stability) has been performed at Invitae for this missense variant, however the output from this modeling did not meet the statistical confidence thresholds required to predict the impact of this variant on AIRE protein function. In summary, the available evidence is currently insufficient to determine the role of this variant in disease. Therefore, it has been classified as a Variant of Uncertain Significance.

Natera, Inc.
Classification: Uncertain significance for Polyglandular autoimmune syndrome type 1. Last evaluated: 2025-04-10. Review status: no assertion criteria provided. Collection method: clinical testing. Allele origin: germline. Not counted in ClinVar's aggregate classification.